The following is an entry in ClinVar:

NM_007259.5(VPS45):c.182A>C (p.Glu61Ala)

Gene: VPS45 (vacuolar protein sorting 45 homolog; plus strand). Cytogenetic location: 1q21.2.
Variant type: single nucleotide variant.
Coding change: c.182A>C on transcript NM_007259.5 (MANE Select); coding-DNA position 182, A replaced by C.
Protein change: p.Glu61Ala; replaces glutamic acid 61 with alanine.
Molecular consequence: missense variant. On other transcripts: non-coding transcript variant (1).
Genome position (GRCh38, 1-based): chr1:150,068,718, A>C. VCF-style: chr1-150068718-A-C. GRCh37 (hg19) VCF-style: chr1-150040775-A-C.
Other names: c.74A>C, p.Glu25Ala (NM_001279353.2, NM_001279354.2); short protein forms E61A, E25A.
Identifiers: ClinVar variation 2840287 (VCV002840287.3), dbSNP rs2526031651, ClinGen allele CA342258798.

ClinVar aggregate classification (germline): Uncertain significance (1 of 4 stars; one submission).

Conditions:
Congenital neutropenia-myelofibrosis-nephromegaly syndrome. Also called: Severe congenital neutropenia 5, autosomal recessive. Identifiers: Orphanet 369852, MedGen C3809031, MONDO:0014118, OMIM 615285.

Submission:

Labcorp Genetics (formerly Invitae), Labcorp
Classification: Uncertain significance for Congenital neutropenia-myelofibrosis-nephromegaly syndrome. Last evaluated: 2023-02-23. Review status: criteria provided, single submitter. Criteria: Invitae Variant Classification Sherloc (09022015). Collection method: clinical testing. Allele origin: germline.
Comment: This sequence change replaces glutamic acid, which is acidic and polar, with alanine, which is neutral and non-polar, at codon 61 of the VPS45 protein (p.Glu61Ala). This variant is not present in population databases (gnomAD no frequency). This variant has not been reported in the literature in individuals affected with VPS45-related conditions. Advanced modeling of protein sequence and biophysical properties (such as structural, functional, and spatial information, amino acid conservation, physicochemical variation, residue mobility, and thermodynamic stability) has been performed at Invitae for this missense variant, however the output from this modeling did not meet the statistical confidence thresholds required to predict the impact of this variant on VPS45 protein function. In summary, the available evidence is currently insufficient to determine the role of this variant in disease. Therefore, it has been classified as a Variant of Uncertain Significance.